The following is an entry in ClinVar:

NM_001004334.4(GPR179):c.5086A>C (p.Asn1696His)

Gene: GPR179 (G protein-coupled receptor 179; minus strand). Cytogenetic location: 17q12.
Variant type: single nucleotide variant.
Coding change: c.5086A>C on transcript NM_001004334.4 (MANE Select); coding-DNA position 5086, A replaced by C.
Protein change: p.Asn1696His; replaces asparagine 1696 with histidine.
Molecular consequence: missense variant.
Genome position (GRCh38, 1-based): chr17:38,328,483, T>G on the plus strand (A>C on the coding strand, the complement: GPR179 is on the minus strand). VCF-style: chr17-38328483-T-G. GRCh37 (hg19) VCF-style: chr17-36484366-T-G.
Other names: short protein forms N1696H.
Identifiers: ClinVar variation 1932692 (VCV001932692.6), dbSNP rs1299260488, ClinGen allele CA398873538.

ClinVar aggregate classification (germline): Uncertain significance. Review status: criteria provided, multiple submitters, no conflicts (2 of 4 stars). 2 submissions from 2 submitters: Uncertain significance (2). Last evaluated 2022-10-07.

Allele frequency attached by ClinVar (database versions not stated): gnomAD exomes below 0.00001; gnomAD 0.00001; TOPMed 0.00002.
gnomAD v4.1: 8 of 1,609,740 alleles (0.0005%); highest among the groups gnomAD compares: African/African-American, 0.0041%; no homozygotes.

Submissions (2):

Labcorp Genetics (formerly Invitae), Labcorp
Classification: Uncertain significance. Last evaluated: 2022-10-07. Review status: criteria provided, single submitter. Criteria: Invitae Variant Classification Sherloc (09022015). Collection method: clinical testing. Allele origin: germline.
Comment: This variant is not present in population databases (gnomAD no frequency). In summary, the available evidence is currently insufficient to determine the role of this variant in disease. Therefore, it has been classified as a Variant of Uncertain Significance. Algorithms developed to predict the effect of missense changes on protein structure and function are either unavailable or do not agree on the potential impact of this missense change (SIFT: "Deleterious"; PolyPhen-2: "Benign"; Align-GVGD: "Class C0"). This variant has not been reported in the literature in individuals affected with GPR179-related conditions. This sequence change replaces asparagine, which is neutral and polar, with histidine, which is basic and polar, at codon 1696 of the GPR179 protein (p.Asn1696His).

Blueprint Genetics
Classification: Uncertain significance. Last evaluated: 2019-10-09. Review status: criteria provided, single submitter. Criteria: ACMG Guidelines, 2015. Collection method: clinical testing. Allele origin: germline.